The following is an entry in ClinVar:

ClinVar aggregate classification (germline): Uncertain significance (1 of 4 stars; one submission).

Conditions:
POLD1-related polyposis and colorectal cancer syndrome (CRCS10). Also called: Colorectal cancer 10; COLORECTAL CANCER, SUSCEPTIBILITY TO, ON CHROMOSOME 19q; Colorectal cancer, susceptibility to, 10. Identifiers: Orphanet 220460, MedGen C2675481, MONDO:0012953, OMIM 612591.

Allele frequency attached by ClinVar (database versions not stated): TOPMed 0.00001.
gnomAD v4.1: 2 of 1,581,700 alleles (0.00013%); highest among the groups gnomAD compares: East Asian, 0.0023%; no homozygotes.

Submission:

Labcorp Genetics (formerly Invitae), Labcorp
Classification: Uncertain significance for POLD1-related polyposis and colorectal cancer syndrome. Last evaluated: 2025-07-07. Review status: criteria provided, single submitter. Criteria: Invitae Variant Classification Sherloc (09022015). Collection method: clinical testing. Allele origin: germline.
Comment: This sequence change replaces leucine, which is neutral and non-polar, with valine, which is neutral and non-polar, at codon 38 of the POLD1 protein (p.Leu38Val). This variant is present in population databases (no rsID available, gnomAD 0.007%). This variant has not been reported in the literature in individuals affected with POLD1-related conditions. ClinVar contains an entry for this variant (Variation ID: 952230). An algorithm developed to predict the effect of missense changes on protein structure and function (PolyPhen-2) suggests that this variant is likely to be disruptive. In summary, the available evidence is currently insufficient to determine the role of this variant in disease. Therefore, it has been classified as a Variant of Uncertain Significance.

NM_002691.4(POLD1):c.112C>G (p.Leu38Val)

Gene: POLD1 (DNA polymerase delta 1, catalytic subunit; plus strand). Cytogenetic location: 19q13.33.
Variant type: single nucleotide variant.
Coding change: c.112C>G on transcript NM_002691.4 (MANE Select); coding-DNA position 112, C replaced by G.
Protein change: p.Leu38Val; replaces leucine 38 with valine.
Molecular consequence: missense variant. On other transcripts: non-coding transcript variant (1).
Genome position (GRCh38, 1-based): chr19:50,398,963, C>G. VCF-style: chr19-50398963-C-G. GRCh37 (hg19) VCF-style: chr19-50902220-C-G.
Other names: c.112C>G, p.Leu38Val (NM_001256849.1, NM_001308632.1); short protein forms L38V.
Identifiers: ClinVar variation 952230 (VCV000952230.9), dbSNP rs1484596172, ClinGen allele CA406970165.